The following is an entry in ClinVar:

ClinVar aggregate classification (germline): Pathogenic/Likely pathogenic. Review status: criteria provided, multiple submitters, no conflicts (2 of 4 stars). 7 submissions from 6 submitters: Pathogenic (4); Likely pathogenic (1). 2 of the submissions do not count toward it. Last evaluated 2025-01-08.

Conditions:
Anophthalmia. Identifiers: MedGen C0003119, HP:0000528. Disease mechanism: loss of function. Inheritance: Mendelian inheritance.
Microphthalmia. Also called: Microphthalmos. Identifiers: MedGen C0026010, MONDO:0021129, HP:0000568.
VSX2-related Microphthalmia.
Isolated microphthalmia 2. Identifiers: Orphanet 2542, MedGen C1864720, MONDO:0012409, OMIM 610093.
Microphthalmia, isolated, with coloboma 3 (MCOPCB3). Also called: MICROPHTHALMIA/COLOBOMA 3; MICROPHTHALMIA, COLOBOMATOUS, 3. Identifiers: Orphanet 98938, MedGen C1864721, MONDO:0012408, OMIM 610092.

Allele frequency attached by ClinVar (database versions not stated): gnomAD exomes below 0.00001 and 0.00002; TOPMed 0.00001; ExAC 0.00002; gnomAD 0.00002.

Submissions (7):

Genomic Research Center, Shahid Beheshti University of Medical Sciences
Classification: Pathogenic for Isolated microphthalmia 2. Last evaluated: 2025-01-08. Review status: criteria provided, single submitter. Criteria: ACMG Guidelines, 2015. Collection method: clinical testing. Allele origin: inherited. Inheritance: Autosomal recessive inheritance. Affected: yes. Observed: 1 variant allele.

Genomic Research Center, Shahid Beheshti University of Medical Sciences
Classification: Pathogenic for Microphthalmia, isolated, with coloboma 3. Last evaluated: 2025-01-08. Review status: criteria provided, single submitter. Criteria: ACMG Guidelines, 2015. Collection method: clinical testing. Allele origin: inherited. Inheritance: Autosomal recessive inheritance. Affected: yes. Observed: 1 variant allele.

Fulgent Genetics
Classification: Likely pathogenic for Microphthalmia, isolated, with coloboma 3; Isolated microphthalmia 2. Last evaluated: 2024-04-15. Review status: criteria provided, single submitter. Criteria: ACMG Guidelines, 2015. Collection method: clinical testing. Allele origin: germline.

Women's Health and Genetics/Laboratory Corporation of America, LabCorp
Classification: Pathogenic. Last evaluated: 2024-04-15. Review status: criteria provided, single submitter. Criteria: LabCorp Variant Classification Summary - May 2015. Collection method: clinical testing. Allele origin: germline.
Comment: Variant summary: VSX2 c.679C>T (p.Arg227Trp) results in a non-conservative amino acid change located in the CVC domain (IPR023339) of the encoded protein sequence. Five of five in-silico tools predict a damaging effect of the variant on protein function. The variant allele was found at a frequency of 1.6e-05 in 251100 control chromosomes (gnomAD). c.679C>T has been reported in the literature in several homozygous individuals affected with VSX2-related Microphthalmia (Bar-Yosef_2004). These data indicate that the variant is very likely to be associated with disease. The following publication has been ascertained in the context of this evaluation (PMID: 15257456). ClinVar contains an entry for this variant (Variation ID: 14862). Based on the evidence outlined above, the variant was classified as pathogenic.

Labcorp Genetics (formerly Invitae), Labcorp
Classification: Pathogenic for Isolated microphthalmia 2. Last evaluated: 2023-01-14. Review status: criteria provided, single submitter. Criteria: Invitae Variant Classification Sherloc (09022015). Collection method: clinical testing. Allele origin: germline.
Comment: For these reasons, this variant has been classified as Pathogenic. Experimental studies have shown that this missense change affects VSX2 function (PMID: 23028343). Advanced modeling of protein sequence and biophysical properties (such as structural, functional, and spatial information, amino acid conservation, physicochemical variation, residue mobility, and thermodynamic stability) performed at Invitae indicates that this missense variant is expected to disrupt VSX2 protein function. ClinVar contains an entry for this variant (Variation ID: 14862). This missense change has been observed in individuals with microphthalmia (PMID: 15257456, 20414678). It has also been observed to segregate with disease in related individuals. This variant is present in population databases (rs121912545, gnomAD 0.007%). This sequence change replaces arginine, which is basic and polar, with tryptophan, which is neutral and slightly polar, at codon 227 of the VSX2 protein (p.Arg227Trp).

Molecular Genetics Laboratory, Institute for Ophthalmic Research
Classification: Pathogenic for Anophthalmia; Microphthalmia. Last evaluated: 2017-12-13. Review status: no assertion criteria provided. Collection method: research. Allele origin: inherited. Affected: yes. Not counted in ClinVar's aggregate classification.

OMIM
Classification: Pathogenic for MICROPHTHALMIA, ISOLATED 2. Last evaluated: 2004-09-01. Review status: no assertion criteria provided. Collection method: literature only. Allele origin: germline. Not counted in ClinVar's aggregate classification.

Literature cited by the submitters: PubMed 15257456 (cited by 3 submitters); PubMed 23028343 (cited by Labcorp Genetics (formerly Invitae), Labcorp); PubMed 20414678 (cited by Labcorp Genetics (formerly Invitae), Labcorp).

NM_182894.3(VSX2):c.679C>T (p.Arg227Trp)

Gene: VSX2 (visual system homeobox 2; plus strand). Cytogenetic location: 14q24.3.
Variant type: single nucleotide variant.
Coding change: c.679C>T on transcript NM_182894.3 (MANE Select); coding-DNA position 679, C replaced by T.
Protein change: p.Arg227Trp; replaces arginine 227 with tryptophan.
Molecular consequence: missense variant.
Genome position (GRCh38, 1-based): chr14:74,259,701, C>T. VCF-style: chr14-74259701-C-T. GRCh37 (hg19) VCF-style: chr14-74726404-C-T.
Other names: short protein forms R227W.
Identifiers: ClinVar variation 14862 (VCV000014862.16), dbSNP rs121912545, ClinGen allele CA124414.